The following is an entry in ClinVar:

ClinVar aggregate classification (germline): Likely pathogenic (1 of 4 stars; one submission).

Submission:

Labcorp Genetics (formerly Invitae), Labcorp
Classification: Likely pathogenic. Last evaluated: 2024-04-18. Review status: criteria provided, single submitter. Criteria: Invitae Variant Classification Sherloc (09022015). Collection method: clinical testing. Allele origin: germline.
Comment: This sequence change replaces arginine, which is basic and polar, with cysteine, which is neutral and slightly polar, at codon 78 of the PDGFB protein (p.Arg78Cys). This variant is not present in population databases (gnomAD no frequency). This missense change has been observed in individuals with basal ganglia calcification (PMID: 27984190, 28556368; Invitae). It has also been observed to segregate with disease in related individuals. Advanced modeling of protein sequence and biophysical properties (such as structural, functional, and spatial information, amino acid conservation, physicochemical variation, residue mobility, and thermodynamic stability) performed at Invitae indicates that this missense variant is not expected to disrupt PDGFB protein function with a negative predictive value of 80%. In summary, the currently available evidence indicates that the variant is pathogenic, but additional data are needed to prove that conclusively. Therefore, this variant has been classified as Likely Pathogenic.

Literature cited by the submitters: PubMed 27984190; PubMed 28556368.

NM_002608.4(PDGFB):c.232C>T (p.Arg78Cys)

Gene: PDGFB (platelet derived growth factor subunit B; minus strand). Cytogenetic location: 22q13.1.
Variant type: single nucleotide variant.
Coding change: c.232C>T on transcript NM_002608.4 (MANE Select); coding-DNA position 232, C replaced by T.
Protein change: p.Arg78Cys; replaces arginine 78 with cysteine.
Molecular consequence: missense variant.
Genome position (GRCh38, 1-based): chr22:39,233,453, G>A on the plus strand (C>T on the coding strand, the complement: PDGFB is on the minus strand). VCF-style: chr22-39233453-G-A. GRCh37 (hg19) VCF-style: chr22-39629458-G-A.
Other names: c.187C>T, p.Arg63Cys (NM_033016.3); short protein forms R63C, R78C.
Identifiers: ClinVar variation 3723983 (VCV003723983.2).